The following is an entry in ClinVar:

ClinVar aggregate classification (germline): Uncertain significance (1 of 4 stars; one submission).

Conditions:
Dyskeratosis congenita, autosomal recessive 6 (DKCB6). Identifiers: MedGen C4225356, MONDO:0014600, OMIM 616353.
Pulmonary fibrosis and/or bone marrow failure, Telomere-related, 4. Also called: PULMONARY FIBROSIS AND/OR BONE MARROW FAILURE SYNDROME, TELOMERE-RELATED, 4. Identifiers: Orphanet 2032, MedGen C4225347, MONDO:0014612, OMIM 616371.

Allele frequency attached by ClinVar (database versions not stated): gnomAD 0.00001; gnomAD exomes 0.00001; TOPMed 0.00001.
gnomAD v4.1: 20 of 1,610,402 alleles (0.0012%); highest among the groups gnomAD compares: Non-Finnish European, 0.0017%; no homozygotes.

Submission:

Labcorp Genetics (formerly Invitae), Labcorp
Classification: Uncertain significance for Dyskeratosis congenita, autosomal recessive 6; Pulmonary fibrosis and/or bone marrow failure, Telomere-related, 4. Last evaluated: 2025-01-22. Review status: criteria provided, single submitter. Criteria: Invitae Variant Classification Sherloc (09022015). Collection method: clinical testing. Allele origin: germline.
Comment: This sequence change replaces lysine, which is basic and polar, with asparagine, which is neutral and polar, at codon 499 of the PARN protein (p.Lys499Asn). This variant is present in population databases (no rsID available, gnomAD 0.0009%). This variant has not been reported in the literature in individuals affected with PARN-related conditions. ClinVar contains an entry for this variant (Variation ID: 1039461). Invitae Evidence Modeling of protein sequence and biophysical properties (such as structural, functional, and spatial information, amino acid conservation, physicochemical variation, residue mobility, and thermodynamic stability) indicates that this missense variant is not expected to disrupt PARN protein function with a negative predictive value of 80%. In summary, the available evidence is currently insufficient to determine the role of this variant in disease. Therefore, it has been classified as a Variant of Uncertain Significance.

NM_002582.4(PARN):c.1497A>C (p.Lys499Asn)

Gene: PARN (poly(A)-specific ribonuclease; minus strand). Cytogenetic location: 16p13.12.
Variant type: single nucleotide variant.
Coding change: c.1497A>C on transcript NM_002582.4 (MANE Select); coding-DNA position 1497, A replaced by C.
Protein change: p.Lys499Asn; replaces lysine 499 with asparagine.
Molecular consequence: missense variant.
Genome position (GRCh38, 1-based): chr16:14,482,811, T>G on the plus strand (A>C on the coding strand, the complement: PARN is on the minus strand). VCF-style: chr16-14482811-T-G. GRCh37 (hg19) VCF-style: chr16-14576668-T-G.
Other names: c.1314A>C, p.Lys438Asn (NM_001134477.3); c.1359A>C, p.Lys453Asn (NM_001242992.2); short protein forms K453N, K499N, K438N.
Identifiers: ClinVar variation 1039461 (VCV001039461.14), dbSNP rs1185388930, ClinGen allele CA395183696.